The following is an entry in ClinVar:

ClinVar aggregate classification (germline): Likely benign (1 of 4 stars; one submission).

gnomAD v4.1: 1 of 1,614,068 alleles (0.000062%); highest among the groups gnomAD compares: Non-Finnish European, 0.000085%; no homozygotes.

Submission:

CeGaT Center for Human Genetics Tuebingen
Classification: Likely benign. Last evaluated: 2026-03-01. Review status: criteria provided, single submitter. Criteria: CeGaT Center For Human Genetics Tuebingen Variant Classification Criteria Version 2. Collection method: clinical testing. Allele origin: germline. Affected: yes. Observed: 1 variant allele.
Comment: ZNF142: BP4, BP7

NM_001379659.1(ZNF142):c.4452A>G (p.Pro1484=)

Gene: ZNF142 (zinc finger protein 142; minus strand). Cytogenetic location: 2q35.
Variant type: single nucleotide variant.
Coding change: c.4452A>G on transcript NM_001379659.1 (MANE Select); coding-DNA position 4452, A replaced by G.
Protein change: p.Pro1484=; no amino-acid change (proline 1484 retained).
Molecular consequence: synonymous variant.
Genome position (GRCh38, 1-based): chr2:218,642,664, T>C on the plus strand (A>G on the coding strand, the complement: ZNF142 is on the minus strand). VCF-style: chr2-218642664-T-C. GRCh37 (hg19) VCF-style: chr2-219507387-T-C.
Other names: c.3852A>G, p.Pro1284= (NM_001105537.5, NM_001366291.3, NM_001379662.1); c.3363A>G, p.Pro1121= (NM_001366287.3, NM_001366288.3, NM_001366289.3); c.4452A>G, p.Pro1484= (NM_001366290.3, NM_001379660.1, NM_001379661.1).
Identifiers: ClinVar variation 4822148 (VCV004822148.4).